The following is an entry in ClinVar:

ClinVar aggregate classification (germline): Uncertain significance (1 of 4 stars; one submission).

Conditions:
SLC12A2-related disorder. Also called: SLC12A2-related disorders; SLC12A2-related condition.

Allele frequency attached by ClinVar (database versions not stated): gnomAD exomes 0.00008.
gnomAD v4.1: 102 of 1,532,700 alleles (0.0067%); highest among the groups gnomAD compares: Non-Finnish European, 0.0089%; no homozygotes.

Submission:

PreventionGenetics, part of Exact Sciences
Classification: Uncertain significance for SLC12A2-related condition. Last evaluated: 2023-10-09. Review status: criteria provided, single submitter. Criteria: ACMG Guidelines, 2015. Collection method: clinical testing. Allele origin: germline.
Comment: The SLC12A2 c.2563T>C variant is predicted to result in the amino acid substitution p.Tyr855His. To our knowledge, this variant has not been reported in the literature or in a large population database, indicating this variant is rare. At this time, the clinical significance of this variant is uncertain due to the absence of conclusive functional and genetic evidence.

NM_001046.3(SLC12A2):c.2563T>C (p.Tyr855His)

Gene: SLC12A2 (solute carrier family 12 member 2; plus strand). Cytogenetic location: 5q23.3.
Variant type: single nucleotide variant.
Coding change: c.2563T>C on transcript NM_001046.3 (MANE Select); coding-DNA position 2563, T replaced by C.
Protein change: p.Tyr855His; replaces tyrosine 855 with histidine.
Molecular consequence: missense variant. On other transcripts: non-coding transcript variant (1).
Genome position (GRCh38, 1-based): chr5:128,161,747, T>C. VCF-style: chr5-128161747-T-C. GRCh37 (hg19) VCF-style: chr5-127497439-T-C.
Other names: c.2563T>C, p.Tyr855His (NM_001256461.2); short protein forms Y855H.
Identifiers: ClinVar variation 2635886 (VCV002635886.1), dbSNP rs1763045908, ClinGen allele CA360751465.
Genomic context (GRCh38, chr5:128,161,747, plus strand): 5'-ATGTCCATCGATCAAGCCAAATATCAGCGATGGCTTATTAAGAACAAAATGAAGGCATTT[T>C]ATGCTCCAGTACATGCAGATGACTTGAGAGAAGGTGCACAGTATTTGATGCAGGTAACTT-3'
Protein context (NP_001037.1, residues 845-865): WLIKNKMKAF[Tyr855His]APVHADDLRE